The following is an entry in ClinVar:

NM_014244.5(ADAMTS2):c.863A>C (p.Gln288Pro)

Gene: ADAMTS2 (ADAM metallopeptidase with thrombospondin type 1 motif 2; minus strand). Cytogenetic location: 5q35.3.
Variant type: single nucleotide variant.
Coding change: c.863A>C on transcript NM_014244.5 (MANE Select); coding-DNA position 863, A replaced by C.
Protein change: p.Gln288Pro; replaces glutamine 288 with proline.
Molecular consequence: missense variant.
Genome position (GRCh38, 1-based): chr5:179,207,541, T>G on the plus strand (A>C on the coding strand, the complement: ADAMTS2 is on the minus strand). VCF-style: chr5-179207541-T-G. GRCh37 (hg19) VCF-style: chr5-178634542-T-G.
Other names: c.863A>C, p.Gln288Pro (NM_021599.4); short protein forms Q288P.
Identifiers: ClinVar variation 1510609 (VCV001510609.5), dbSNP rs368893222, ClinGen allele CA362426750.

ClinVar aggregate classification (germline): Uncertain significance (1 of 4 stars; one submission).

Conditions:
Ehlers-Danlos syndrome, dermatosparaxis type. Also called: Dermatosparaxis; Ehlers-Danlos syndrome, type VII, autosomal recessive; EDS VIIC. Identifiers: Orphanet 1901, MedGen C2700425, MONDO:0009161, OMIM 225410.

gnomAD v4.1: 2 of 1,503,618 alleles (0.00013%); highest among the groups gnomAD compares: Non-Finnish European, 0.00018%; no homozygotes.

Submission:

Labcorp Genetics (formerly Invitae), Labcorp
Classification: Uncertain significance for Ehlers-Danlos syndrome, dermatosparaxis type. Last evaluated: 2021-08-24. Review status: criteria provided, single submitter. Criteria: Invitae Variant Classification Sherloc (09022015). Collection method: clinical testing. Allele origin: germline.
Comment: This sequence change replaces glutamine with proline at codon 288 of the ADAMTS2 protein (p.Gln288Pro). The glutamine residue is highly conserved and there is a moderate physicochemical difference between glutamine and proline. This variant is not present in population databases (ExAC no frequency). This variant has not been reported in the literature in individuals affected with ADAMTS2-related conditions. Algorithms developed to predict the effect of missense changes on protein structure and function (SIFT, PolyPhen-2, Align-GVGD) all suggest that this variant is likely to be disruptive. In summary, the available evidence is currently insufficient to determine the role of this variant in disease. Therefore, it has been classified as a Variant of Uncertain Significance.